The following is an entry in ClinVar:

NM_004341.5(CAD):c.820C>T (p.Arg274Ter)

Gene: CAD (carbamoyl-phosphate synthetase 2, aspartate transcarbamylase, and dihydroorotase; plus strand). Cytogenetic location: 2p23.3.
Variant type: single nucleotide variant.
Coding change: c.820C>T on transcript NM_004341.5 (MANE Select); coding-DNA position 820, C replaced by T.
Protein change: p.Arg274Ter; replaces arginine 274 with a stop codon.
Molecular consequence: nonsense.
Genome position (GRCh38, 1-based): chr2:27,223,573, C>T. VCF-style: chr2-27223573-C-T. GRCh37 (hg19) VCF-style: chr2-27446441-C-T.
Other names: c.820C>T, p.Arg274Ter (NM_001306079.2); short protein forms R274*.
Identifiers: ClinVar variation 2834788 (VCV002834788.3), dbSNP rs759552111, ClinGen allele CA44496415.

ClinVar aggregate classification (germline): Pathogenic (1 of 4 stars; one submission).

gnomAD v4.1: 6 of 1,612,602 alleles (0.00037%); highest among the groups gnomAD compares: Middle Eastern, 0.021%; no homozygotes.

Submission:

Labcorp Genetics (formerly Invitae), Labcorp
Classification: Pathogenic. Last evaluated: 2024-06-15. Review status: criteria provided, single submitter. Criteria: Invitae Variant Classification Sherloc (09022015). Collection method: clinical testing. Allele origin: germline.
Comment: This sequence change creates a premature translational stop signal (p.Arg274*) in the CAD gene. It is expected to result in an absent or disrupted protein product. Loss-of-function variants in CAD are known to be pathogenic (PMID: 28007989, 32117025, 32820246, 33497533). This variant is not present in population databases (gnomAD no frequency). This variant has not been reported in the literature in individuals affected with CAD-related conditions. For these reasons, this variant has been classified as Pathogenic.

Literature cited by the submitters: PubMed 28007989; PubMed 32117025; PubMed 32820246; PubMed 33497533.